The following is an entry in ClinVar:

NM_004006.3(DMD):c.4877T>A (p.Val1626Glu)

Gene: DMD (dystrophin; minus strand). Cytogenetic location: Xp21.1.
Variant type: single nucleotide variant.
Coding change: c.4877T>A on transcript NM_004006.3 (MANE Select); coding-DNA position 4877, T replaced by A.
Protein change: p.Val1626Glu; replaces valine 1626 with glutamic acid.
Molecular consequence: missense variant.
Genome position (GRCh38, 1-based): chrX:32,365,168, A>T on the plus strand (T>A on the coding strand, the complement: DMD is on the minus strand). VCF-style: chrX-32365168-A-T. GRCh37 (hg19) VCF-style: chrX-32383285-A-T.
Other names: c.4853T>A, p.Val1618Glu (NM_000109.4); c.4865T>A, p.Val1622Glu (NM_004009.3); c.4508T>A, p.Val1503Glu (NM_004010.3); c.854T>A, p.Val285Glu (NM_004011.4); c.845T>A, p.Val282Glu (NM_004012.4); short protein forms V282E, V1503E, V1618E, V1622E, V285E, V1626E.
Identifiers: ClinVar variation 648287 (VCV000648287.17), dbSNP rs72468634, ClinGen allele CA10378830.

ClinVar aggregate classification (germline): Benign/Likely benign. Review status: criteria provided, multiple submitters, no conflicts (2 of 4 stars). 6 submissions from 6 submitters: Benign (1); Likely benign (3). 2 of the submissions do not count toward it. Last evaluated 2026-01-28.

Conditions:
Cardiovascular phenotype. Identifiers: MedGen CN230736.
Duchenne muscular dystrophy (DMD). Also called: Duchenne Muscular Dystrophy (DMD); MUSCULAR DYSTROPHY, PSEUDOHYPERTROPHIC PROGRESSIVE, DUCHENNE TYPE. Identifiers: Orphanet 98896, MedGen C0013264, MONDO:0010679, OMIM 310200.

Allele frequency attached by ClinVar (database versions not stated): TOPMed 0.00005; ExAC 0.00007; gnomAD exomes 0.00007 and 0.00014; gnomAD 0.00008 and 0.00010.
gnomAD v4.1: 162 of 1,208,863 alleles (0.013%); highest among the groups gnomAD compares: Non-Finnish European, 0.018%; no homozygotes.

Submissions (6):

Labcorp Genetics (formerly Invitae), Labcorp
Classification: Benign for Duchenne muscular dystrophy. Last evaluated: 2026-01-28. Review status: criteria provided, single submitter. Criteria: Invitae Variant Classification Sherloc (09022015). Collection method: clinical testing. Allele origin: germline.

Blueprint Genetics
Classification: Likely benign. Last evaluated: 2024-08-06. Review status: criteria provided, single submitter. Criteria: ACMG Guidelines, 2015. Collection method: clinical testing. Allele origin: germline.

Ambry Genetics
Classification: Likely benign for Cardiovascular phenotype. Last evaluated: 2022-06-24. Review status: criteria provided, single submitter. Criteria: Ambry Variant Classification Scheme 2023. Collection method: clinical testing. Allele origin: germline.

GeneDx
Classification: Likely benign. Last evaluated: 2018-05-18. Review status: criteria provided, single submitter. Criteria: GeneDx Variant Classification (06012015). Collection method: clinical testing. Allele origin: germline. Affected: yes.
Comment: This variant is considered likely benign or benign based on one or more of the following criteria: it is a conservative change, it occurs at a poorly conserved position in the protein, it is predicted to be benign by multiple in silico algorithms, and/or has population frequency not consistent with disease.

Clinical Genetics DNA and cytogenetics Diagnostics Lab, Erasmus MC, Erasmus Medical Center
Classification: Likely benign. Review status: no assertion criteria provided. Collection method: clinical testing. Allele origin: germline. Affected: yes. Study: VKGL Data-share Consensus. Not counted in ClinVar's aggregate classification.

Genome Diagnostics Laboratory, University Medical Center Utrecht
Classification: Likely benign. Review status: no assertion criteria provided. Collection method: clinical testing. Allele origin: germline. Affected: yes. Study: VKGL Data-share Consensus. Not counted in ClinVar's aggregate classification.

Literature cited by the submitters: PubMed 19937601 (cited by Ambry Genetics); PubMed 25227141 (cited by Ambry Genetics).